The following is an entry in ClinVar:

ClinVar aggregate classification (germline): Uncertain significance (1 of 4 stars; one submission).

Conditions:
Alstrom syndrome (ALMS). Identifiers: Orphanet 64, MedGen C0268425, MONDO:0008763, OMIM 203800.

Submission:

Labcorp Genetics (formerly Invitae), Labcorp
Classification: Uncertain significance for Alstrom syndrome. Last evaluated: 2023-03-16. Review status: criteria provided, single submitter. Criteria: Invitae Variant Classification Sherloc (09022015). Collection method: clinical testing. Allele origin: germline.
Comment: In summary, the available evidence is currently insufficient to determine the role of this variant in disease. Therefore, it has been classified as a Variant of Uncertain Significance. Algorithms developed to predict the effect of missense changes on protein structure and function output the following: SIFT: "Not Available"; PolyPhen-2: "Not Available"; Align-GVGD: "Not Available". The proline amino acid residue is found in multiple mammalian species, which suggests that this missense change does not adversely affect protein function. This variant has not been reported in the literature in individuals affected with ALMS1-related conditions. This variant is not present in population databases (gnomAD no frequency). This sequence change replaces serine, which is neutral and polar, with proline, which is neutral and non-polar, at codon 327 of the ALMS1 protein (p.Ser327Pro).

NM_001378454.1(ALMS1):c.976T>C (p.Ser326Pro)

Gene: ALMS1 (ALMS1 centrosome and basal body associated protein; plus strand). Cytogenetic location: 2p13.1.
Variant type: single nucleotide variant.
Coding change: c.976T>C on transcript NM_001378454.1 (MANE Select); coding-DNA position 976, T replaced by C.
Protein change: p.Ser326Pro; replaces serine 326 with proline.
Molecular consequence: missense variant.
Genome position (GRCh38, 1-based): chr2:73,424,641, T>C. VCF-style: chr2-73424641-T-C. GRCh37 (hg19) VCF-style: chr2-73651769-T-C.
Other names: c.979T>C, p.Ser327Pro (NM_015120.4); short protein forms S326P, S327P.
Identifiers: ClinVar variation 2846272 (VCV002846272.3), dbSNP rs2466046549, ClinGen allele CA347261106.